The following is an entry in ClinVar:

NM_015102.5(NPHP4):c.4145G>A (p.Gly1382Glu)

Gene: NPHP4 (nephrocystin 4; minus strand). Cytogenetic location: 1p36.31.
Variant type: single nucleotide variant.
Coding change: c.4145G>A on transcript NM_015102.5 (MANE Select); coding-DNA position 4145, G replaced by A.
Protein change: p.Gly1382Glu; replaces glycine 1382 with glutamic acid.
Molecular consequence: missense variant. On other transcripts: non-coding transcript variant (1).
Genome position (GRCh38, 1-based): chr1:5,863,401, C>T on the plus strand (G>A on the coding strand, the complement: NPHP4 is on the minus strand). VCF-style: chr1-5863401-C-T. GRCh37 (hg19) VCF-style: chr1-5923461-C-T.
Other names: c.2606G>A, p.Gly869Glu (NM_001291593.2); c.2609G>A, p.Gly870Glu (NM_001291594.2); c.4145G>A (NM_015102.3); short protein forms G1382E, G869E, G870E.
Identifiers: ClinVar variation 196631 (VCV000196631.17), dbSNP rs773368924, ClinGen allele CA243650.

ClinVar aggregate classification (germline): Conflicting classifications of pathogenicity. Review status: criteria provided, conflicting classifications (1 of 4 stars). 6 submissions from 6 submitters: Uncertain significance (4); Likely benign (1). 1 of the submissions does not count toward it. Last evaluated 2023-11-29.

Conditions:
NPHP4-related disorder. Also called: NPHP4-related condition; NPHP4-related disorders. Identifiers: MedGen CN239384.
Inborn genetic diseases. Identifiers: MedGen C0950123, MeSH D030342.
Nephronophthisis. Also called: Juvenile Nephronophthisis. Identifiers: Orphanet 655, MedGen C0687120, MONDO:0019005, HP:0000090.
Senior-Loken syndrome 4 (SLSN4). Identifiers: Orphanet 3156, MedGen C1846979, MONDO:0011756, OMIM 606996.
Nephronophthisis 4 (NPHP4). Also called: NEPHRONOPHTHISIS 4, JUVENILE. Identifiers: Orphanet 655, MedGen C1847013, MONDO:0011752, OMIM 606966.

Allele frequency attached by ClinVar (database versions not stated): gnomAD 0.00003 and 0.00005; gnomAD exomes 0.00004; ExAC 0.00005; TOPMed 0.00007.
gnomAD v4.1: 33 of 1,605,536 alleles (0.0021%); highest among the groups gnomAD compares: East Asian, 0.031%; 1 homozygote.

Submissions (6):

Blueprint Genetics
Classification: Likely benign. Last evaluated: 2023-11-29. Review status: criteria provided, single submitter. Criteria: ACMG Guidelines, 2015. Collection method: clinical testing. Allele origin: germline.

Ambry Genetics
Classification: Uncertain significance for Inborn genetic diseases. Last evaluated: 2023-05-23. Review status: criteria provided, single submitter. Criteria: Ambry Variant Classification Scheme 2023. Collection method: clinical testing. Allele origin: germline.
Comment: The c.4145G>A (p.G1382E) alteration is located in coding exon 29 of the NPHP4 gene. This alteration results from a G to A substitution at nucleotide position 4145, causing the glycine (G) at amino acid position 1382 to be replaced by a glutamic acid (E). Based on data from gnomAD, the A allele has an overall frequency of 0.005% (13/277688) total alleles studied. The highest observed frequency was 0.062% (12/19528) of East Asian alleles. This amino acid position is not well conserved in available vertebrate species. This alteration is predicted to be tolerated by in silico analysis. Based on insufficient or conflicting evidence, the clinical significance of this alteration remains unclear.

Labcorp Genetics (formerly Invitae), Labcorp
Classification: Uncertain significance for Nephronophthisis. Last evaluated: 2022-10-24. Review status: criteria provided, single submitter. Criteria: Invitae Variant Classification Sherloc (09022015). Collection method: clinical testing. Allele origin: germline.
Comment: This sequence change replaces glycine, which is neutral and non-polar, with glutamic acid, which is acidic and polar, at codon 1382 of the NPHP4 protein (p.Gly1382Glu). This variant is present in population databases (rs773368924, gnomAD 0.06%). This variant has not been reported in the literature in individuals affected with NPHP4-related conditions. ClinVar contains an entry for this variant (Variation ID: 196631). Advanced modeling of protein sequence and biophysical properties (such as structural, functional, and spatial information, amino acid conservation, physicochemical variation, residue mobility, and thermodynamic stability) performed at Invitae indicates that this missense variant is not expected to disrupt NPHP4 protein function. In summary, the available evidence is currently insufficient to determine the role of this variant in disease. Therefore, it has been classified as a Variant of Uncertain Significance.

Fulgent Genetics
Classification: Uncertain significance for Nephronophthisis 4; Senior-Loken syndrome 4. Last evaluated: 2018-10-31. Review status: criteria provided, single submitter. Criteria: ACMG Guidelines, 2015. Collection method: clinical testing. Allele origin: unknown.

Eurofins Ntd Llc (ga)
Classification: Uncertain significance. Last evaluated: 2017-05-23. Review status: criteria provided, single submitter. Criteria: EGL Classification Definitions 2015. Collection method: clinical testing. Allele origin: germline. Observed: 5 variant alleles, 4 heterozygotes, 1 homozygote.

PreventionGenetics, part of Exact Sciences
Classification: Uncertain significance for NPHP4-related condition. Last evaluated: 2024-05-28. Review status: no assertion criteria provided. Collection method: clinical testing. Allele origin: germline. Not counted in ClinVar's aggregate classification.
Comment: The NPHP4 c.4145G>A variant is predicted to result in the amino acid substitution p.Gly1382Glu. To our knowledge, this variant has not been reported in the literature. This variant is reported in 0.061% of alleles in individuals of East Asian descent in gnomAD. Although we suspect that this variant may be benign, at this time, the clinical significance of this variant is uncertain due to the absence of conclusive functional and genetic evidence.